The following is an entry in ClinVar:

ClinVar aggregate classification (germline): Uncertain significance (1 of 4 stars; one submission).

Conditions:
DROSHA-related disorder. Also called: DROSHA-related condition.

gnomAD v4.1: 21 of 1,613,666 alleles (0.0013%); highest among the groups gnomAD compares: South Asian, 0.0066%; no homozygotes.

Submission:

PreventionGenetics, part of Exact Sciences
Classification: Uncertain significance for DROSHA-related condition. Last evaluated: 2026-07-17. Review status: criteria provided, single submitter. Criteria: ACMG Guidelines, 2015. Collection method: clinical testing. Allele origin: germline.
Comment: The DROSHA c.745C>T variant is predicted to result in the amino acid substitution p.Arg249Trp. To our knowledge, this variant has not been reported in the literature. This variant is reported in 0.0065% of alleles in individuals of South Asian descent in gnomAD. At the time of reporting, this variant is absent from the ClinVar database. At this time, the clinical significance of this variant is uncertain due to the absence of conclusive functional and genetic evidence.

NM_001382508.1(DROSHA):c.745C>T (p.Arg249Trp)

Gene: DROSHA (drosha ribonuclease III; minus strand). Cytogenetic location: 5p13.3.
Variant type: single nucleotide variant.
Coding change: c.745C>T on transcript NM_001382508.1 (MANE Select); coding-DNA position 745, C replaced by T.
Protein change: p.Arg249Trp; replaces arginine 249 with tryptophan.
Molecular consequence: missense variant.
Genome position (GRCh38, 1-based): chr5:31,526,188, G>A on the plus strand (C>T on the coding strand, the complement: DROSHA is on the minus strand). VCF-style: chr5-31526188-G-A. GRCh37 (hg19) VCF-style: chr5-31526295-G-A.
Other names: c.745C>T, p.Arg249Trp (NM_001100412.2, NM_013235.5); short protein forms R249W.
Identifiers: ClinVar variation 4983439 (VCV004983439.1).